The following is an entry in ClinVar:

ClinVar aggregate classification (germline): Uncertain significance (1 of 4 stars; one submission).

Conditions:
Epidermolysis bullosa simplex 3, localized or generalized intermediate, with BP230 deficiency (EBS3). Also called: Epidermolysis bullosa simplex due to BP230 deficiency; Epidermolysis bullosa simplex, autosomal recessive 2. Identifiers: Orphanet 412181, MedGen C3809470, MONDO:0014180, OMIM 615425.
Hereditary sensory and autonomic neuropathy type 6. Also called: Neuropathy, hereditary sensory and autonomic, type VI; HSAN VI. Identifiers: Orphanet 314381, MedGen C3539003, MONDO:0013839, OMIM 614653.

Allele frequency attached by ClinVar (database versions not stated): gnomAD exomes below 0.00001; TOPMed below 0.00001.
gnomAD v4.1: 2 of 1,613,908 alleles (0.00012%); highest among the groups gnomAD compares: Non-Finnish European, 0.00017%; no homozygotes.

Submission:

Labcorp Genetics (formerly Invitae), Labcorp
Classification: Uncertain significance for Epidermolysis bullosa simplex 3, localized or generalized intermediate, with BP230 deficiency; Hereditary sensory and autonomic neuropathy type 6. Last evaluated: 2022-07-13. Review status: criteria provided, single submitter. Criteria: Invitae Variant Classification Sherloc (09022015). Collection method: clinical testing. Allele origin: germline.
Comment: This sequence change replaces tyrosine, which is neutral and polar, with cysteine, which is neutral and slightly polar, at codon 633 of the DST protein (p.Tyr633Cys). This variant is not present in population databases (gnomAD no frequency). This variant has not been reported in the literature in individuals affected with DST-related conditions. Algorithms developed to predict the effect of missense changes on protein structure and function (SIFT, PolyPhen-2, Align-GVGD) all suggest that this variant is likely to be disruptive. In summary, the available evidence is currently insufficient to determine the role of this variant in disease. Therefore, it has been classified as a Variant of Uncertain Significance.

NM_001374736.1(DST):c.3509A>G (p.Tyr1170Cys)

Gene: DST (dystonin; minus strand). Cytogenetic location: 6p12.1.
Variant type: single nucleotide variant.
Coding change: c.3509A>G on transcript NM_001374736.1 (MANE Select); coding-DNA position 3509, A replaced by G.
Protein change: p.Tyr1170Cys; replaces tyrosine 1170 with cysteine.
Molecular consequence: missense variant.
Genome position (GRCh38, 1-based): chr6:56,634,244, T>C on the plus strand (A>G on the coding strand, the complement: DST is on the minus strand). VCF-style: chr6-56634244-T-C. GRCh37 (hg19) VCF-style: chr6-56499042-T-C.
Other names: c.3410A>G, p.Tyr1137Cys (NM_001144769.5); c.2996A>G, p.Tyr999Cys (NM_001144770.2); c.3509A>G, p.Tyr1170Cys (NM_001374722.1); c.2876A>G, p.Tyr959Cys (NM_001374729.1, NM_001374730.1, NM_001386100.1 and 1 more transcripts); c.3536A>G, p.Tyr1179Cys (NM_001374734.1); c.1898A>G, p.Tyr633Cys (NM_001723.7, NM_015548.5); short protein forms Y1137C, Y1170C, Y999C, Y1179C, Y633C, Y959C.
Identifiers: ClinVar variation 2106298 (VCV002106298.1), dbSNP rs1440064089, ClinGen allele CA364575775.